The following is an entry in ClinVar:

NM_014915.3(ANKRD26):c.1190A>T (p.His397Leu)

Gene: ANKRD26 (ankyrin repeat domain containing 26; minus strand). Cytogenetic location: 10p12.1.
Variant type: single nucleotide variant.
Coding change: c.1190A>T on transcript NM_014915.3 (MANE Select); coding-DNA position 1190, A replaced by T.
Protein change: p.His397Leu; replaces histidine 397 with leucine.
Molecular consequence: missense variant.
Genome position (GRCh38, 1-based): chr10:27,067,174, T>A on the plus strand (A>T on the coding strand, the complement: ANKRD26 is on the minus strand). VCF-style: chr10-27067174-T-A. GRCh37 (hg19) VCF-style: chr10-27356103-T-A.
Other names: c.1190A>T, p.His397Leu (NM_001256053.2); short protein forms H397L.
Identifiers: ClinVar variation 3870098 (VCV003870098.1).
Genomic context (GRCh38, chr10:27,067,174, plus strand): 5'-AACTTAAGGATAGAAAAATATTCAGAGATATCCACTAACTTACCACTTCTATTATTTTTG[T>A]GCACTTCATCAACATAAGTCAAATTGTCATTATTTGTTTGCTCTAGTGGAGCACTTTCAA-3'
Protein context (NP_055730.2, residues 387-407): NDNLTYVDEV[His397Leu]KNNRSDMMSA

ClinVar aggregate classification (germline): Uncertain significance (1 of 4 stars; one submission).

Conditions:
Inborn genetic diseases. Identifiers: MedGen C0950123, MeSH D030342.

gnomAD v4.1: 1 of 1,613,634 alleles (0.000062%); highest among the groups gnomAD compares: Non-Finnish European, 0.000085%; no homozygotes.

Submission:

Ambry Genetics
Classification: Uncertain significance for Inborn genetic diseases. Last evaluated: 2025-01-07. Review status: criteria provided, single submitter. Criteria: Ambry Variant Classification Scheme 2023. Collection method: clinical testing. Allele origin: germline.
Comment: The p.H397L variant (also known as c.1190A>T), located in coding exon 10 of the ANKRD26 gene, results from an A to T substitution at nucleotide position 1190. The histidine at codon 397 is replaced by leucine, an amino acid with similar properties. This amino acid position is conserved. In addition, this alteration is predicted to be tolerated by in silico analysis. Based on the available evidence, the clinical significance of this variant remains unclear.